The following is an entry in ClinVar:

NM_001875.5(CPS1):c.869dup (p.Leu290fs)

Gene: CPS1 (carbamoyl-phosphate synthase 1; plus strand). Cytogenetic location: 2q34.
Variant type: Duplication.
Coding change: c.869dup on transcript NM_001875.5 (MANE Select); coding-DNA position 869, one base duplicated (T; older notation c.869dupT).
Protein change: p.Leu290fs; shifts the reading frame from leucine 290.
Molecular consequence: frameshift variant. On other transcripts: non-coding transcript variant (1).
Genome position (GRCh38, 1-based): chr2:210,590,828, T duplicated; the last of 2 consecutive T bases (chr2:210,590,827-210,590,828); duplicating either gives the same sequence. VCF-style (leftmost placement, unchanged base first): chr2-210590826-A-AT. GRCh37 (hg19) VCF-style: chr2-211455550-A-AT.
Other names: c.869dup, p.Leu290fs (NM_001122633.3, NM_001369257.1); c.902dup, p.Leu301fs (NM_001369256.1); short protein forms L290fs, L301fs.
Identifiers: ClinVar variation 2077457 (VCV002077457.5), dbSNP rs2469120731, ClinGen allele CA2580065568.

ClinVar aggregate classification (germline): Pathogenic/Likely pathogenic. Review status: criteria provided, multiple submitters, no conflicts (2 of 4 stars). 2 submissions from 2 submitters: Pathogenic (1); Likely pathogenic (1). Last evaluated 2023-11-21.

Conditions:
Pulmonary hypertension, neonatal, susceptibility to (PHN). Identifiers: MedGen C3714958, MONDO:0014151, OMIM 615371.
Congenital hyperammonemia, type I. Also called: CPS I DEFICIENCY; Carbamoyl phosphate synthetase I deficiency disease; Carbamoyl-phosphate synthase I deficiency; Carbamoyl phosphate synthetase 1 deficiency; Hyperammonemia due to carbamoyl phosphate synthetase 1 deficiency; CPS 1 deficiency. Identifiers: Orphanet 147, MedGen C4082171, MONDO:0009376, OMIM 237300.

Submissions (2):

Baylor Genetics
Classification: Likely pathogenic for Pulmonary hypertension, neonatal, susceptibility to. Last evaluated: 2023-11-21. Review status: criteria provided, single submitter. Criteria: ACMG Guidelines, 2015. Collection method: clinical testing. Allele origin: unknown.

Labcorp Genetics (formerly Invitae), Labcorp
Classification: Pathogenic for Congenital hyperammonemia, type I. Last evaluated: 2022-09-27. Review status: criteria provided, single submitter. Criteria: Invitae Variant Classification Sherloc (09022015). Collection method: clinical testing. Allele origin: germline.
Comment: For these reasons, this variant has been classified as Pathogenic. This variant has not been reported in the literature in individuals affected with CPS1-related conditions. This variant is not present in population databases (gnomAD no frequency). This sequence change creates a premature translational stop signal (p.Leu290Phefs*73) in the CPS1 gene. It is expected to result in an absent or disrupted protein product. Loss-of-function variants in CPS1 are known to be pathogenic (PMID: 21120950).

Literature cited by the submitters: PubMed 21120950 (cited by Labcorp Genetics (formerly Invitae), Labcorp).